The following is an entry in ClinVar:

ClinVar aggregate classification (germline): Likely benign (0 of 4 stars; one submission).

Conditions:
WDHD1-related disorder. Also called: WDHD1-related condition.

Allele frequency attached by ClinVar (database versions not stated): gnomAD exomes 0.00073; ExAC 0.00098; ESP Exome Variant Server 0.00100; gnomAD 0.00181; TOPMed 0.00247; 1000 Genomes Project 30x 0.00312; 1000 Genomes Project 0.00319.
gnomAD v4.1: 1,423 of 1,612,854 alleles (0.088%); highest among the groups gnomAD compares: African/African-American, 0.44%; 5 homozygotes.

Submission:

PreventionGenetics, part of Exact Sciences
Classification: Likely benign for WDHD1-related condition. Last evaluated: 2023-01-09. Review status: no assertion criteria provided. Collection method: clinical testing. Allele origin: germline.
Comment: This variant is classified as likely benign based on ACMG/AMP sequence variant interpretation guidelines (Richards et al. 2015 PMID: 25741868, with internal and published modifications).

NM_007086.4(WDHD1):c.1820G>C (p.Gly607Ala)

Gene: WDHD1 (WD repeat and HMG-box DNA binding protein 1; minus strand). Cytogenetic location: 14q22.2.
Variant type: single nucleotide variant.
Coding change: c.1820G>C on transcript NM_007086.4 (MANE Select); coding-DNA position 1820, G replaced by C.
Protein change: p.Gly607Ala; replaces glycine 607 with alanine.
Molecular consequence: missense variant.
Genome position (GRCh38, 1-based): chr14:54,984,809, C>G on the plus strand (G>C on the coding strand, the complement: WDHD1 is on the minus strand). VCF-style: chr14-54984809-C-G. GRCh37 (hg19) VCF-style: chr14-55451527-C-G.
Other names: c.1451G>C, p.Gly484Ala (NM_001008396.3); short protein forms G484A, G607A.
Identifiers: ClinVar variation 3057186 (VCV003057186.2), dbSNP rs140770200, ClinGen allele CA7194250.